The following is an entry in ClinVar:

NM_000521.4(HEXB):c.160C>T (p.Pro54Ser)

Gene: HEXB (hexosaminidase subunit beta; plus strand). Cytogenetic location: 5q13.3.
Variant type: single nucleotide variant.
Coding change: c.160C>T on transcript NM_000521.4 (MANE Select); coding-DNA position 160, C replaced by T.
Protein change: p.Pro54Ser; replaces proline 54 with serine.
Molecular consequence: missense variant. On other transcripts: intron variant (1).
Genome position (GRCh38, 1-based): chr5:74,685,420, C>T. VCF-style: chr5-74685420-C-T. GRCh37 (hg19) VCF-style: chr5-73981245-C-T.
Other names: c.-376-3908C>T (NM_001292004.2); short protein forms P54S.
Identifiers: ClinVar variation 2060588 (VCV002060588.1), dbSNP rs778119481, ClinGen allele CA360062250.

ClinVar aggregate classification (germline): Uncertain significance (1 of 4 stars; one submission).

Conditions:
Sandhoff disease. Also called: Beta-hexosaminidase-beta-subunit deficiency; GM2 gangliosidosis, type 2; Total hexosaminidase deficiency; Sandhoff-Jatzkewitz-Pilz disease; GM2-GANGLIOSIDOSIS, TYPE II; HEXOSAMINIDASES A AND B DEFICIENCY. Identifiers: Orphanet 796, MedGen C0036161, MONDO:0010006, OMIM 268800.

Submission:

Labcorp Genetics (formerly Invitae), Labcorp
Classification: Uncertain significance for Sandhoff disease. Last evaluated: 2022-07-03. Review status: criteria provided, single submitter. Criteria: Invitae Variant Classification Sherloc (09022015). Collection method: clinical testing. Allele origin: germline.
Comment: This sequence change replaces proline, which is neutral and non-polar, with serine, which is neutral and polar, at codon 54 of the HEXB protein (p.Pro54Ser). The frequency data for this variant in the population databases is considered unreliable, as metrics indicate poor data quality at this position in the gnomAD database. This variant has not been reported in the literature in individuals affected with HEXB-related conditions. Advanced modeling of protein sequence and biophysical properties (such as structural, functional, and spatial information, amino acid conservation, physicochemical variation, residue mobility, and thermodynamic stability) performed at Invitae indicates that this missense variant is not expected to disrupt HEXB protein function. In summary, the available evidence is currently insufficient to determine the role of this variant in disease. Therefore, it has been classified as a Variant of Uncertain Significance.